The following is an entry in ClinVar:

NM_032492.4(JAGN1):c.102G>A (p.Lys34=)

Gene: JAGN1 (jagunal vesicle mediated transporter 1; plus strand). Cytogenetic location: 3p25.3.
Variant type: single nucleotide variant.
Coding change: c.102G>A on transcript NM_032492.4 (MANE Select); coding-DNA position 102, G replaced by A.
Protein change: p.Lys34=; no amino-acid change (lysine 34 retained).
Molecular consequence: synonymous variant. On other transcripts: 5 prime UTR variant (1).
Genome position (GRCh38, 1-based): chr3:9,892,927, G>A. VCF-style: chr3-9892927-G-A. GRCh37 (hg19) VCF-style: chr3-9934611-G-A.
Other names: c.102G>A (NM_032492.3); c.-61G>A (NM_001363890.1).
Identifiers: ClinVar variation 2065353 (VCV002065353.7), dbSNP rs201260563, ClinGen allele CA2245828.

ClinVar aggregate classification (germline): Likely benign. Review status: criteria provided, multiple submitters, no conflicts (2 of 4 stars). 3 submissions from 3 submitters: Likely benign (2). 1 of the submissions does not count toward it. Last evaluated 2025-11-06.

Conditions:
JAGN1-related disorder. Also called: JAGN1-related condition.
Autosomal recessive severe congenital neutropenia due to JAGN1 deficiency. Also called: Severe congenital neutropenia 6, autosomal recessive. Identifiers: Orphanet 423384, MedGen C4014954, MONDO:0014456, OMIM 616022.

Allele frequency attached by ClinVar (database versions not stated): ExAC 0.00003; gnomAD 0.00005; TOPMed 0.00005; gnomAD exomes 0.00007; ESP Exome Variant Server 0.00008; 1000 Genomes Project 30x 0.00016; 1000 Genomes Project 0.00020.
gnomAD v4.1: 112 of 1,611,104 alleles (0.007%); highest among the groups gnomAD compares: Admixed American, 0.012%; no homozygotes.

Submissions (3):

Labcorp Genetics (formerly Invitae), Labcorp
Classification: Likely benign for Autosomal recessive severe congenital neutropenia due to JAGN1 deficiency. Last evaluated: 2025-11-06. Review status: criteria provided, single submitter. Criteria: Invitae Variant Classification Sherloc (09022015). Collection method: clinical testing. Allele origin: germline.

Blueprint Genetics
Classification: Likely benign. Last evaluated: 2022-10-31. Review status: criteria provided, single submitter. Criteria: ACMG Guidelines, 2015. Collection method: clinical testing. Allele origin: germline.

PreventionGenetics, part of Exact Sciences
Classification: Likely benign for JAGN1-related condition. Last evaluated: 2020-04-01. Review status: no assertion criteria provided. Collection method: clinical testing. Allele origin: germline. Not counted in ClinVar's aggregate classification.
Comment: This variant is classified as likely benign based on ACMG/AMP sequence variant interpretation guidelines (Richards et al. 2015 PMID: 25741868, with internal and published modifications).